The following is an entry in ClinVar:

NM_020461.4(TUBGCP6):c.151C>G (p.Gln51Glu)

Gene: TUBGCP6 (tubulin gamma complex component 6; minus strand). Cytogenetic location: 22q13.33.
Variant type: single nucleotide variant.
Coding change: c.151C>G on transcript NM_020461.4 (MANE Select); coding-DNA position 151, C replaced by G.
Protein change: p.Gln51Glu; replaces glutamine 51 with glutamic acid.
Molecular consequence: missense variant.
Genome position (GRCh38, 1-based): chr22:50,244,309, G>C on the plus strand (C>G on the coding strand, the complement: TUBGCP6 is on the minus strand). VCF-style: chr22-50244309-G-C. GRCh37 (hg19) VCF-style: chr22-50682738-G-C.
Other names: short protein forms Q51E.
Identifiers: ClinVar variation 1466846 (VCV001466846.8), dbSNP rs2147222768, ClinGen allele CA412116934.

ClinVar aggregate classification (germline): Uncertain significance (1 of 4 stars; one submission).

Submission:

Labcorp Genetics (formerly Invitae), Labcorp
Classification: Uncertain significance. Last evaluated: 2023-05-22. Review status: criteria provided, single submitter. Criteria: Invitae Variant Classification Sherloc (09022015). Collection method: clinical testing. Allele origin: germline.
Comment: In summary, the available evidence is currently insufficient to determine the role of this variant in disease. Therefore, it has been classified as a Variant of Uncertain Significance. An algorithm developed to predict the effect of missense changes on protein structure and function (PolyPhen-2) suggests that this variant is likely to be tolerated. ClinVar contains an entry for this variant (Variation ID: 1466846). This variant has not been reported in the literature in individuals affected with TUBGCP6-related conditions. This variant is not present in population databases (gnomAD no frequency). This sequence change replaces glutamine, which is neutral and polar, with glutamic acid, which is acidic and polar, at codon 51 of the TUBGCP6 protein (p.Gln51Glu).